The following is an entry in ClinVar:

ClinVar aggregate classification (germline): Uncertain significance (1 of 4 stars; one submission).

Allele frequency attached by ClinVar (database versions not stated): gnomAD exomes below 0.00001.
gnomAD v4.1: 1 of 1,614,066 alleles (0.000062%); highest among the groups gnomAD compares: Non-Finnish European, 0.000085%; no homozygotes.

Submission:

GeneDx
Classification: Uncertain significance. Last evaluated: 2022-08-30. Review status: criteria provided, single submitter. Criteria: GeneDx Variant Classification Process June 2021. Collection method: clinical testing. Allele origin: germline. Affected: yes.
Comment: Not observed at significant frequency in large population cohorts (gnomAD); In silico analysis supports that this missense variant has a deleterious effect on protein structure/function; Has not been previously published as pathogenic or benign to our knowledge

NM_152296.5(ATP1A3):c.2194T>C (p.Ser732Pro)

Gene: ATP1A3 (ATPase Na+/K+ transporting subunit alpha 3; minus strand). Cytogenetic location: 19q13.2.
Variant type: single nucleotide variant.
Coding change: c.2194T>C on transcript NM_152296.5 (MANE Select); coding-DNA position 2194, T replaced by C.
Protein change: p.Ser732Pro; replaces serine 732 with proline.
Molecular consequence: missense variant.
Genome position (GRCh38, 1-based): chr19:41,975,698, A>G on the plus strand (T>C on the coding strand, the complement: ATP1A3 is on the minus strand). VCF-style: chr19-41975698-A-G. GRCh37 (hg19) VCF-style: chr19-42479850-A-G.
Other names: c.2227T>C, p.Ser743Pro (NM_001256213.2); c.2233T>C, p.Ser745Pro (NM_001256214.2); short protein forms S732P, S743P, S745P.
Identifiers: ClinVar variation 2442697 (VCV002442697.1), dbSNP rs2514047098, ClinGen allele CA406041882.
Genomic context (GRCh38, chr19:41,975,698, plus strand): 5'-CCCCTGTGACGATGGAGGCAAAGTTGTCGTCCAGCAGGATCATGTCAGCTGCCTGCTTGG[A>G]GACGTCAGAGCCAGCGATGCCCATGGCCACCCCAATGTCGGCCTTCTTCAGAGCGGGGGA-3'
Protein context (NP_689509.1, residues 722-742): VAMGIAGSDV[Ser732Pro]KQAADMILLD